The following is an entry in ClinVar:

ClinVar aggregate classification (germline): Uncertain significance (1 of 4 stars; one submission).

Allele frequency attached by ClinVar (database versions not stated): gnomAD exomes below 0.00001; TOPMed 0.00001.

Submission:

Labcorp Genetics (formerly Invitae), Labcorp
Classification: Uncertain significance. Last evaluated: 2026-01-26. Review status: criteria provided, single submitter. Criteria: Invitae Variant Classification Sherloc (09022015). Collection method: clinical testing. Allele origin: germline.
Comment: This sequence change replaces alanine, which is neutral and non-polar, with valine, which is neutral and non-polar, at codon 1223 of the FAT4 protein (p.Ala1223Val). This variant is present in population databases (no rsID available, gnomAD 0.003%). This variant has not been reported in the literature in individuals affected with FAT4-related conditions. ClinVar contains an entry for this variant (Variation ID: 1924968). Invitae Evidence Modeling of protein sequence and biophysical properties (such as structural, functional, and spatial information, amino acid conservation, physicochemical variation, residue mobility, and thermodynamic stability) indicates that this missense variant is not expected to disrupt FAT4 protein function with a negative predictive value of 80%. In summary, the available evidence is currently insufficient to determine the role of this variant in disease. Therefore, it has been classified as a Variant of Uncertain Significance.

NM_001291303.3(FAT4):c.3668C>T (p.Ala1223Val)

Gene: FAT4 (FAT atypical cadherin 4; plus strand). Cytogenetic location: 4q28.1.
Variant type: single nucleotide variant.
Coding change: c.3668C>T on transcript NM_001291303.3 (MANE Select); coding-DNA position 3668, C replaced by T.
Protein change: p.Ala1223Val; replaces alanine 1223 with valine.
Molecular consequence: missense variant.
Genome position (GRCh38, 1-based): chr4:125,320,079, C>T. VCF-style: chr4-125320079-C-T. GRCh37 (hg19) VCF-style: chr4-126241234-C-T.
Other names: c.3668C>T, p.Ala1223Val (NM_001291285.3, NM_024582.6); short protein forms A1223V.
Identifiers: ClinVar variation 1924968 (VCV001924968.4), dbSNP rs1467601884, ClinGen allele CA358124491.